The following is an entry in ClinVar:

ClinVar aggregate classification (germline): Uncertain significance (1 of 4 stars; one submission).

Submission:

Labcorp Genetics (formerly Invitae), Labcorp
Classification: Uncertain significance. Last evaluated: 2022-10-18. Review status: criteria provided, single submitter. Criteria: Invitae Variant Classification Sherloc (09022015). Collection method: clinical testing. Allele origin: germline.
Comment: In summary, the available evidence is currently insufficient to determine the role of this variant in disease. Therefore, it has been classified as a Variant of Uncertain Significance. This variant has not been reported in the literature in individuals affected with DSCAML1-related conditions. This variant is not present in population databases (gnomAD no frequency). This sequence change creates a premature translational stop signal (p.Pro1444Argfs*18) in the DSCAML1 gene. It is expected to result in an absent or disrupted protein product. However, the current clinical and genetic evidence is not sufficient to establish whether loss-of-function variants in DSCAML1 cause disease.

NM_020693.4(DSCAML1):c.4151del (p.Pro1384fs)

Gene: DSCAML1 (DS cell adhesion molecule like 1; minus strand). Cytogenetic location: 11q23.3.
Variant type: Deletion.
Coding change: c.4151del on transcript NM_020693.4 (MANE Select); coding-DNA position 4151, one base deleted (C; older notation c.4151delC).
Protein change: p.Pro1384fs; shifts the reading frame from proline 1384.
Molecular consequence: frameshift variant.
Genome position (GRCh38, 1-based): chr11:117,438,977, G deleted on the plus strand (C on the coding strand, the reverse complement: DSCAML1 is on the minus strand); the first of 5 consecutive G bases (chr11:117,438,977-117,438,981); deleting any one gives the same sequence. VCF-style (leftmost placement, unchanged base first): chr11-117438976-CG-C. GRCh37 (hg19) VCF-style: chr11-117309692-CG-C.
Other names: short protein forms P1384fs.
Identifiers: ClinVar variation 2036008 (VCV002036008.4), dbSNP rs2543002805, ClinGen allele CA2580083525.